The following is an entry in ClinVar:

NM_004055.5(CAPN5):c.1709G>A (p.Arg570His)

Gene: CAPN5 (calpain 5; plus strand). Cytogenetic location: 11q13.5.
Variant type: single nucleotide variant.
Coding change: c.1709G>A on transcript NM_004055.5 (MANE Select); coding-DNA position 1709, G replaced by A.
Protein change: p.Arg570His; replaces arginine 570 with histidine.
Molecular consequence: missense variant.
Genome position (GRCh38, 1-based): chr11:77,122,681, G>A. VCF-style: chr11-77122681-G-A. GRCh37 (hg19) VCF-style: chr11-76833727-G-A.
Other names: c.1709G>A (NM_004055.4); short protein forms R570H.
Identifiers: ClinVar variation 1026275 (VCV001026275.10), dbSNP rs141138795, ClinGen allele CA6196883.
Genomic context (GRCh38, chr11:77,122,681, plus strand): 5'-GCTCGGCTGTGCAGAAGGGCACCTCCACACCAGAGTACAATGTGAAAGGCATCTTCTACC[G>A]CAAGAAGCTGAGCCAGCCCATCACTGTACAGGTGAGCCCCCTGGTCCAGAGGCCACCTCC-3'
Protein context (NP_004046.2, residues 560-580): PEYNVKGIFY[Arg570His]KKLSQPITVQ

ClinVar aggregate classification (germline): Uncertain significance. Review status: criteria provided, multiple submitters, no conflicts (2 of 4 stars). 2 submissions from 2 submitters: Uncertain significance (2). Last evaluated 2025-07-01.

Conditions:
Inborn genetic diseases. Identifiers: MedGen C0950123, MeSH D030342.

Allele frequency attached by ClinVar (database versions not stated): gnomAD 0.00002 and 0.00003; gnomAD exomes 0.00002 and 0.00003; TOPMed 0.00002; ExAC 0.00005; ESP Exome Variant Server 0.00008.
gnomAD v4.1: 29 of 1,613,770 alleles (0.0018%); highest among the groups gnomAD compares: African/African-American, 0.0027%; no homozygotes.

Submissions (2):

Labcorp Genetics (formerly Invitae), Labcorp
Classification: Uncertain significance. Last evaluated: 2025-07-01. Review status: criteria provided, single submitter. Criteria: Invitae Variant Classification Sherloc (09022015). Collection method: clinical testing. Allele origin: germline.
Comment: This sequence change replaces arginine, which is basic and polar, with histidine, which is basic and polar, at codon 570 of the CAPN5 protein (p.Arg570His). This variant is present in population databases (rs141138795, gnomAD 0.004%). This variant has not been reported in the literature in individuals affected with CAPN5-related conditions. ClinVar contains an entry for this variant (Variation ID: 1026275). An algorithm developed to predict the effect of missense changes on protein structure and function (PolyPhen-2) suggests that this variant is likely to be tolerated. In summary, the available evidence is currently insufficient to determine the role of this variant in disease. Therefore, it has been classified as a Variant of Uncertain Significance.

Ambry Genetics
Classification: Uncertain significance for Inborn genetic diseases. Last evaluated: 2023-03-21. Review status: criteria provided, single submitter. Criteria: Ambry Variant Classification Scheme 2023. Collection method: clinical testing. Allele origin: germline.